The following is an entry in ClinVar:

ClinVar aggregate classification (germline): Uncertain significance (1 of 4 stars; one submission).

Conditions:
Hereditary cancer-predisposing syndrome. Also called: Neoplastic Syndromes, Hereditary; Tumor predisposition; Hereditary Cancer Syndrome; Hereditary neoplastic syndrome. Identifiers: Orphanet 140162, MedGen C0027672, MeSH D009386, MONDO:0015356.

Submission:

Ambry Genetics
Classification: Uncertain significance for Hereditary cancer-predisposing syndrome. Last evaluated: 2021-06-03. Review status: criteria provided, single submitter. Criteria: Ambry Variant Classification Scheme 2023. Collection method: clinical testing. Allele origin: germline.
Comment: The c.1890G>C variant (also known as p.K630N), located in coding exon 14 of the BAP1 gene, results from a G to C substitution at nucleotide position 1890. The amino acid change results in lysine to asparagine at codon 630, an amino acid with similar properties. However, this change occurs in the last base pair of coding exon 14, which makes it likely to have some effect on normal mRNA splicing. In silico splice site analysis predicts that this alteration will weaken the native splice donor site and will result in the creation or strengthening of a novel splice donor site; however, direct evidence is unavailable. This amino acid position is highly conserved in available vertebrate species. In addition, this alteration is predicted to be tolerated by in silico analysis. Since supporting evidence is limited at this time, the clinical significance of this alteration remains unclear.

NM_004656.4(BAP1):c.1890G>C (p.Lys630Asn)

Gene: BAP1 (BRCA1 associated deubiquitinase 1; minus strand). Cytogenetic location: 3p21.1.
Variant type: single nucleotide variant.
Coding change: c.1890G>C on transcript NM_004656.4 (MANE Select); coding-DNA position 1890, G replaced by C.
Protein change: p.Lys630Asn; replaces lysine 630 with asparagine.
Molecular consequence: missense variant.
Genome position (GRCh38, 1-based): chr3:52,403,138, C>G on the plus strand (G>C on the coding strand, the complement: BAP1 is on the minus strand). VCF-style: chr3-52403138-C-G. GRCh37 (hg19) VCF-style: chr3-52437154-C-G.
Other names: c.1836G>C, p.Lys612Asn (NM_001410772.1); short protein forms K612N, K630N.
Identifiers: ClinVar variation 1782066 (VCV001782066.2), dbSNP rs2471324398, ClinGen allele CA353097840.
Genomic context (GRCh38, chr3:52,403,138, plus strand): 5'-GAGGAGCTCAGGCCTTACCCTCTGCCAGGATTAAAGGAGAAAACCACAACGGAGGCTCAC[C>G]TTGGGTGAGTATTTCTCCCCACTCAAGGGCTCGCCAGGCCTCACCATCCCCGTCTTCTCT-3'
Protein context (NP_004647.1, residues 620-640): EPLSGEKYSP[Lys630Asn]ELLALLKCVE